The following is an entry in ClinVar:

NM_003072.5(SMARCA4):c.4171-1790C>A

Gene: SMARCA4 (SWI/SNF related BAF chromatin remodeling complex subunit ATPase 4; plus strand). Cytogenetic location: 19p13.2.
Variant type: single nucleotide variant.
Coding change: c.4171-1790C>A on transcript NM_003072.5 (MANE Select); 1790 bases into the intron before coding-DNA position 4171, C replaced by A.
Molecular consequence: intron variant. On other transcripts: missense variant (1).
Genome position (GRCh38, 1-based): chr19:11,039,517, C>A. VCF-style: chr19-11039517-C-A. GRCh37 (hg19) VCF-style: chr19-11150193-C-A.
Other names: c.4230C>A, p.Phe1410Leu (NM_001128849.3); c.4171-1790C>A (NM_001128844.3); c.4072-1790C>A (NM_001128847.4, NM_001374457.1, NM_001128848.2); c.4072-1781C>A (NM_001128845.2, NM_001128846.2); short protein forms F1410L.
Identifiers: ClinVar variation 824697 (VCV000824697.15), dbSNP rs1481819938, ClinGen allele CA404071621.

ClinVar aggregate classification (germline): Conflicting classifications of pathogenicity. Review status: criteria provided, conflicting classifications (1 of 4 stars). 2 submissions from 2 submitters: Uncertain significance (1); Likely benign (1). Last evaluated 2025-10-23.

Conditions:
Hereditary cancer-predisposing syndrome. Also called: Neoplastic Syndromes, Hereditary; Tumor predisposition; Hereditary neoplastic syndrome; Hereditary Cancer Syndrome. Identifiers: Orphanet 140162, MedGen C0027672, MeSH D009386, MONDO:0015356.
Rhabdoid tumor predisposition syndrome 2 (RTPS2). Identifiers: Orphanet 231108, Orphanet 69077, MedGen C2750074, MONDO:0013224, OMIM 613325.

Allele frequency attached by ClinVar (database versions not stated): gnomAD exomes below 0.00001 and 0.00001.
gnomAD v4.1: 3 of 1,601,896 alleles (0.00019%); highest among the groups gnomAD compares: South Asian, 0.0034%; no homozygotes.

Submissions (2):

Ambry Genetics
Classification: Likely benign for Hereditary cancer-predisposing syndrome. Last evaluated: 2025-10-23. Review status: criteria provided, single submitter. Criteria: Ambry Variant Classification Scheme 2023. Collection method: clinical testing. Allele origin: germline.

Labcorp Genetics (formerly Invitae), Labcorp
Classification: Uncertain significance for Rhabdoid tumor predisposition syndrome 2. Last evaluated: 2024-07-28. Review status: criteria provided, single submitter. Criteria: Invitae Variant Classification Sherloc (09022015). Collection method: clinical testing. Allele origin: germline.
Comment: This sequence change replaces phenylalanine, which is neutral and non-polar, with leucine, which is neutral and non-polar, at codon 1410 of the SMARCA4 protein (p.Phe1410Leu). The frequency data for this variant in the population databases is considered unreliable, as metrics indicate poor data quality at this position in the gnomAD database. This variant has not been reported in the literature in individuals affected with SMARCA4-related conditions. ClinVar contains an entry for this variant (Variation ID: 824697). An algorithm developed to predict the effect of missense changes on protein structure and function (PolyPhen-2) suggests that this variant is likely to be tolerated. In summary, the available evidence is currently insufficient to determine the role of this variant in disease. Therefore, it has been classified as a Variant of Uncertain Significance.